The following is an entry in ClinVar:

ClinVar aggregate classification (germline): Uncertain significance (1 of 4 stars; one submission).

Conditions:
Heterotaxy, visceral, 6, autosomal (HTX6). Also called: Heterotaxy, visceral, 6, autosomal recessive. Identifiers: Orphanet 450, MedGen C3553676, MONDO:0013887, OMIM 614779.

Allele frequency attached by ClinVar (database versions not stated): ExAC 0.00001; gnomAD exomes 0.00001; TOPMed 0.00001; gnomAD 0.00002.

Submission:

Labcorp Genetics (formerly Invitae), Labcorp
Classification: Uncertain significance for Heterotaxy, visceral, 6, autosomal. Last evaluated: 2021-12-25. Review status: criteria provided, single submitter. Criteria: Invitae Variant Classification Sherloc (09022015). Collection method: clinical testing. Allele origin: germline.
Comment: In summary, the available evidence is currently insufficient to determine the role of this variant in disease. Therefore, it has been classified as a Variant of Uncertain Significance. Algorithms developed to predict the effect of missense changes on protein structure and function are either unavailable or do not agree on the potential impact of this missense change (SIFT: "Not Available"; PolyPhen-2: "Benign"; Align-GVGD: "Not Available"). This variant has not been reported in the literature in individuals affected with CFAP53-related conditions. This variant is present in population databases (rs752919970, gnomAD 0.002%). This sequence change replaces alanine, which is neutral and non-polar, with valine, which is neutral and non-polar, at codon 49 of the CFAP53 protein (p.Ala49Val).

NM_145020.5(CFAP53):c.146C>T (p.Ala49Val)

Gene: CFAP53 (cilia and flagella associated protein 53; minus strand). Cytogenetic location: 18q21.1.
Variant type: single nucleotide variant.
Coding change: c.146C>T on transcript NM_145020.5 (MANE Select); coding-DNA position 146, C replaced by T.
Protein change: p.Ala49Val; replaces alanine 49 with valine.
Molecular consequence: missense variant.
Genome position (GRCh38, 1-based): chr18:50,262,143, G>A on the plus strand (C>T on the coding strand, the complement: CFAP53 is on the minus strand). VCF-style: chr18-50262143-G-A. GRCh37 (hg19) VCF-style: chr18-47788513-G-A.
Other names: short protein forms A49V.
Identifiers: ClinVar variation 2155044 (VCV002155044.4), dbSNP rs752919970, ClinGen allele CA8962498.